The following is an entry in ClinVar:

ClinVar aggregate classification (germline): Uncertain significance (1 of 4 stars; one submission).

Conditions:
Inborn genetic diseases. Identifiers: MedGen C0950123, MeSH D030342.

Submission:

Ambry Genetics
Classification: Uncertain significance for Inborn genetic diseases. Last evaluated: 2026-03-24. Review status: criteria provided, single submitter. Criteria: Ambry Variant Classification Scheme 2023. Collection method: clinical testing. Allele origin: germline.
Comment: The p.S256R variant (also known as c.768C>G), located in coding exon 2 of the SH2B3 gene, results from a C to G substitution at nucleotide position 768. The serine at codon 256 is replaced by arginine, an amino acid with dissimilar properties. This amino acid position is conserved. In addition, this alteration is predicted to be tolerated by in silico analysis. Based on the available evidence, the clinical significance of this variant remains unclear.

NM_005475.3(SH2B3):c.768C>G (p.Ser256Arg)

Gene: SH2B3 (SH2B adaptor protein 3; plus strand). Cytogenetic location: 12q24.12.
Variant type: single nucleotide variant.
Coding change: c.768C>G on transcript NM_005475.3 (MANE Select); coding-DNA position 768, C replaced by G.
Protein change: p.Ser256Arg; replaces serine 256 with arginine.
Molecular consequence: missense variant.
Genome position (GRCh38, 1-based): chr12:111,446,788, C>G. VCF-style: chr12-111446788-C-G. GRCh37 (hg19) VCF-style: chr12-111884592-C-G.
Other names: c.162C>G, p.Ser54Arg (NM_001291424.1); short protein forms S256R, S54R.
Identifiers: ClinVar variation 4864394 (VCV004864394.1).
Genomic context (GRCh38, chr12:111,446,788, plus strand): 5'-TGAGTACCCCAACTTGGTCTCGTAGAGTTCAAGGCCCAAGCTACAAGCAGCTTGCTCCAG[C>G]ATCCAGGAGGTCCGGTGGTGCACACGGCTTGAGATGCCTGACAACCTTTACACCTTTGTG-3'
Protein context (NP_005466.1, residues 246-266): SRPKLQAACS[Ser256Arg]IQEVRWCTRL